The following is an entry in ClinVar:

ClinVar aggregate classification (germline): Uncertain significance (1 of 4 stars; one submission).

Conditions:
Hypokalemic periodic paralysis, type 1. Also called: HypoPP; Hypokalemic Periodic Paralysis Type 1 (AD). Identifiers: Orphanet 681, MedGen C3714580, MONDO:0042979, OMIM 170400.
Malignant hyperthermia, susceptibility to, 5 (MHS5). Also called: CACNA1S-Related Malignant Hyperthermia Susceptibility. Identifiers: Orphanet 423, MedGen C1866077, MONDO:0011163, OMIM 601887.

Submission:

Labcorp Genetics (formerly Invitae), Labcorp
Classification: Uncertain significance for Hypokalemic periodic paralysis 1; Malignant hyperthermia, susceptibility to, 5. Last evaluated: 2019-05-23. Review status: criteria provided, single submitter. Criteria: Invitae Variant Classification Sherloc (09022015). Collection method: clinical testing. Allele origin: germline.
Comment: This sequence change falls in intron 4 of the CACNA1S gene. It does not directly change the encoded amino acid sequence of the CACNA1S protein, but it affects a nucleotide within the consensus splice site of the intron. This variant is not present in population databases (ExAC no frequency). This variant has not been reported in the literature in individuals with CACNA1S-related conditions. Nucleotide substitutions within the consensus splice site are a relatively common cause of aberrant splicing (PMID: 17576681, 9536098). Algorithms developed to predict the effect of sequence changes on RNA splicing suggest that this variant may create or strengthen a splice site, but this prediction has not been confirmed by published transcriptional studies. In summary, the available evidence is currently insufficient to determine the role of this variant in disease. Therefore, it has been classified as a Variant of Uncertain Significance.

NM_000069.3(CACNA1S):c.541+3G>A

Gene: CACNA1S (calcium voltage-gated channel subunit alpha1 S; minus strand). Cytogenetic location: 1q32.1.
Variant type: single nucleotide variant.
Coding change: c.541+3G>A on transcript NM_000069.3 (MANE Select); 3 bases into the intron after coding-DNA position 541, G replaced by A.
Molecular consequence: intron variant.
Genome position (GRCh38, 1-based): chr1:201,091,969, C>T on the plus strand (G>A on the coding strand, the complement: CACNA1S is on the minus strand). VCF-style: chr1-201091969-C-T. GRCh37 (hg19) VCF-style: chr1-201061097-C-T.
Identifiers: ClinVar variation 941230 (VCV000941230.1), dbSNP rs1662249692, ClinGen allele CA1139656495.